The following is an entry in ClinVar:

ClinVar aggregate classification (germline): Uncertain significance. Review status: criteria provided, multiple submitters, no conflicts (2 of 4 stars). 5 submissions from 5 submitters: Uncertain significance (4). 1 of the submissions does not count toward it. Last evaluated 2025-04-08.

Conditions:
Cardiovascular phenotype. Identifiers: MedGen CN230736.
Familial long QT syndrome (RWS). Also called: Congenital long QT syndrome; Romano-Ward syndrome; VENTRICULAR FIBRILLATION WITH PROLONGED QT INTERVAL. Identifiers: Orphanet 768, MedGen C1141890, MONDO:0019171.
Long QT syndrome (LQTS). Identifiers: MedGen C0023976, MeSH D008133, MONDO:0002442. Disease mechanism: loss of function. Inheritance: Various modes of inheritance.
Short QT syndrome type 1. Identifiers: Orphanet 51083, MedGen C1865020, MONDO:0012312, OMIM 609620.
Long QT syndrome 2 (LQT2). Identifiers: Orphanet 101016, Orphanet 768, MedGen C3150943, MONDO:0013367, OMIM 613688.

Allele frequency attached by ClinVar (database versions not stated): TOPMed 0.00001; gnomAD exomes 0.00002; ExAC 0.00003; gnomAD 0.00002.
gnomAD v4.1: 12 of 1,614,004 alleles (0.00074%); highest among the groups gnomAD compares: East Asian, 0.0067%; no homozygotes.

Submissions (5):

Labcorp Genetics (formerly Invitae), Labcorp
Classification: Uncertain significance for Long QT syndrome. Last evaluated: 2025-04-08. Review status: criteria provided, single submitter. Criteria: Invitae Variant Classification Sherloc (09022015). Collection method: clinical testing. Allele origin: germline.
Comment: This sequence change replaces aspartic acid, which is acidic and polar, with asparagine, which is neutral and polar, at codon 323 of the KCNH2 protein (p.Asp323Asn). This variant is present in population databases (rs199472887, gnomAD 0.01%). This missense change has been observed in individual(s) with Long QT syndrome (PMID: 19716085). ClinVar contains an entry for this variant (Variation ID: 67551). An algorithm developed to predict the effect of missense changes on protein structure and function (PolyPhen-2) suggests that this variant is likely to be tolerated. Experimental studies have shown that this missense change does not substantially affect KCNH2 function (PMID: 26920202). In summary, the available evidence is currently insufficient to determine the role of this variant in disease. Therefore, it has been classified as a Variant of Uncertain Significance.

All of Us Research Program, National Institutes of Health
Classification: Uncertain significance for Long QT syndrome. Last evaluated: 2023-12-13. Review status: criteria provided, single submitter. Criteria: ACMG Guidelines, 2015. Collection method: clinical testing. Allele origin: germline. Inheritance: Autosomal dominant inheritance. Observed: 5 variant alleles, 5 heterozygotes.
Comment: This missense variant replaces aspartic acid with asparagine at codon 323 of the KCNH2 protein. Computational prediction is inconclusive regarding the impact of this variant on protein structure and function (internally defined REVEL score threshold 0.5 < inconclusive < 0.7, PMID: 27666373). This variant is found within a highly conserved cytoplasmic region (a.a. 1-403). Rare non-truncating variants in this region have been shown to be significantly overrepresented in individuals with long QT syndrome (PMID: 32893267). To our knowledge, functional studies have not been reported for this variant. This variant has been reported in at least one individual suspected long QT syndrome (PMID: 19716085, 26920202). One of these individuals also carried a pathogenic variant in the KCNQ1 gene that could explain the observed phenotype (PMID:26920202). This variant has been identified in 7/282048 chromosomes in the general population by the Genome Aggregation Database (gnomAD). The available evidence is insufficient to determine the role of this variant in disease conclusively. Therefore, this variant is classified as a Variant of Uncertain Significance.

This study involves interpretation of variants in research participants for the purpose of population health screening. Participant phenotype was not available at the time of variant classification. Additional details can be found in publication PMID: 35346344, PMCID: PMC8962531

Fulgent Genetics
Classification: Uncertain significance for Short QT syndrome type 1; Long QT syndrome 2. Last evaluated: 2021-12-03. Review status: criteria provided, single submitter. Criteria: ACMG Guidelines, 2015. Collection method: clinical testing. Allele origin: unknown.

Ambry Genetics
Classification: Uncertain significance for Cardiovascular phenotype. Last evaluated: 2019-06-10. Review status: criteria provided, single submitter. Criteria: Ambry Variant Classification Scheme 2023. Collection method: clinical testing. Allele origin: germline.

Cardiovascular Biomedical Research Unit, Royal Brompton & Harefield NHS Foundation Trust
No classification provided. Condition: Familial long QT syndrome. Review status: no classification provided. Collection method: literature only. Allele origin: germline. Not counted in ClinVar's aggregate classification.
Comment: This variant has been reported as associated with Long QT syndrome in the following publications (PMID:19716085). This is a literature report, and does not necessarily reflect the clinical interpretation of the Imperial College / Royal Brompton Cardiovascular Genetics laboratory.

Literature cited by the submitters: PubMed 19716085 (cited by 3 submitters); PubMed 26920202 (cited by Labcorp Genetics (formerly Invitae), Labcorp and All of Us Research Program, National Institutes of Health); PubMed 32893267 (cited by All of Us Research Program, National Institutes of Health); PubMed 22581653 (cited by Cardiovascular Biomedical Research Unit, Royal Brompton & Harefield NHS Foundation Trust).

NM_000238.4(KCNH2):c.967G>A (p.Asp323Asn)

Gene: KCNH2 (potassium voltage-gated channel subfamily H member 2; minus strand). Cytogenetic location: 7q36.1.
Variant type: single nucleotide variant.
Coding change: c.967G>A on transcript NM_000238.4 (MANE Select); coding-DNA position 967, G replaced by A.
Protein change: p.Asp323Asn; replaces aspartic acid 323 with asparagine.
Molecular consequence: missense variant.
Genome position (GRCh38, 1-based): chr7:150,957,452, C>T on the plus strand (G>A on the coding strand, the complement: KCNH2 is on the minus strand). VCF-style: chr7-150957452-C-T. GRCh37 (hg19) VCF-style: chr7-150654540-C-T.
Other names: c.967G>A (LRG_288t1); c.679G>A, p.Asp227Asn (NM_001406753.1, NM_001406756.1); c.790G>A, p.Asp264Asn (NM_001406755.1); c.667G>A, p.Asp223Asn (NM_001406757.1); c.967G>A, p.Asp323Asn (NM_172056.3); short protein forms D323N, D264N, D227N, D223N.
Identifiers: ClinVar variation 67551 (VCV000067551.11), dbSNP rs199472887, ClinGen allele CA009046.